The following is an entry in ClinVar:

ClinVar aggregate classification (germline): Uncertain significance (1 of 4 stars; one submission).

gnomAD v4.1: 2 of 1,613,978 alleles (0.00012%); no homozygotes.

Submission:

GeneDx
Classification: Uncertain significance. Last evaluated: 2026-02-04. Review status: criteria provided, single submitter. Criteria: GeneDx Variant Classification Process June 2021. Collection method: clinical testing. Allele origin: germline.
Comment: Not observed at significant frequency in large population cohorts (gnomAD); In silico analysis supports that this missense variant has a deleterious effect on protein structure/function; Has not been previously published as pathogenic or benign to our knowledge

NM_000834.5(GRIN2B):c.4385C>T (p.Pro1462Leu)

Gene: GRIN2B (glutamate ionotropic receptor NMDA type subunit 2B; minus strand). Cytogenetic location: 12p13.1.
Variant type: single nucleotide variant.
Coding change: c.4385C>T on transcript NM_000834.5 (MANE Select); coding-DNA position 4385, C replaced by T.
Protein change: p.Pro1462Leu; replaces proline 1462 with leucine.
Molecular consequence: missense variant.
Genome position (GRCh38, 1-based): chr12:13,562,853, G>A on the plus strand (C>T on the coding strand, the complement: GRIN2B is on the minus strand). VCF-style: chr12-13562853-G-A. GRCh37 (hg19) VCF-style: chr12-13715787-G-A.
Other names: c.4385C>T, p.Pro1462Leu (NM_001413992.1); short protein forms P1462L.
Identifiers: ClinVar variation 4976223 (VCV004976223.1).
Genomic context (GRCh38, chr12:13,562,853, plus strand): 5'-GACTCAATACTAGAAAGTTTCTCATAAACATGCCCATTGCTGGAGCCATTGAAAGCCCTG[G>A]GGTTTTTGTTGTTAGGCACACAGGGGTTGGACTGGTTCCCTATACAGATGTCCTTCTGGA-3'
Protein context (NP_000825.2, residues 1452-1472): SNPCVPNNKN[Pro1462Leu]RAFNGSSNGH